The following is an entry in ClinVar:

NM_001378.3(DYNC1I2):c.792A>G (p.Lys264=)

Gene: DYNC1I2 (dynein cytoplasmic 1 intermediate chain 2; plus strand). Cytogenetic location: 2q31.1.
Variant type: single nucleotide variant.
Coding change: c.792A>G on transcript NM_001378.3 (MANE Select); coding-DNA position 792, A replaced by G.
Protein change: p.Lys264=; no amino-acid change (lysine 264 retained).
Molecular consequence: synonymous variant.
Genome position (GRCh38, 1-based): chr2:171,726,215, A>G. VCF-style: chr2-171726215-A-G. GRCh37 (hg19) VCF-style: chr2-172582725-A-G.
Other names: c.792A>G, p.Lys264= (NM_001271785.2); c.768A>G, p.Lys256= (NM_001271786.2, NM_001271787.2); c.714A>G, p.Lys238= (NM_001271788.2, NM_001271789.2, NM_001271790.2 and 1 more transcripts); c.774A>G, p.Lys258= (NM_001320882.2, NM_001320883.2, NM_001378455.1 and 1 more transcripts).
Identifiers: ClinVar variation 4873531 (VCV004873531.2).

ClinVar aggregate classification (germline): Likely benign (1 of 4 stars; one submission).

gnomAD v4.1: 71 of 1,611,858 alleles (0.0044%); highest among the groups gnomAD compares: African/African-American, 0.075%; no homozygotes.

Submission:

CeGaT Center for Human Genetics Tuebingen
Classification: Likely benign. Last evaluated: 2026-05-01. Review status: criteria provided, single submitter. Criteria: CeGaT Center For Human Genetics Tuebingen Variant Classification Criteria Version 2. Collection method: clinical testing. Allele origin: germline. Affected: yes. Observed: 1 variant allele.
Comment: DYNC1I2: BP4, BP7